The following is an entry in ClinVar:

ClinVar aggregate classification (germline): Uncertain significance (1 of 4 stars; one submission).

Conditions:
Epileptic encephalopathy. Identifiers: MedGen C0543888, HP:0200134.

Allele frequency attached by ClinVar (database versions not stated): TOPMed 0.00001.
gnomAD v4.1: 3 of 1,594,858 alleles (0.00019%); highest among the groups gnomAD compares: African/African-American, 0.004%; no homozygotes.

Submission:

Labcorp Genetics (formerly Invitae), Labcorp
Classification: Uncertain significance for Epileptic encephalopathy. Last evaluated: 2022-03-19. Review status: criteria provided, single submitter. Criteria: Invitae Variant Classification Sherloc (09022015). Collection method: clinical testing. Allele origin: germline.
Comment: Algorithms developed to predict the effect of missense changes on protein structure and function are either unavailable or do not agree on the potential impact of this missense change (SIFT: "Deleterious"; PolyPhen-2: "Probably Damaging"; Align-GVGD: "Class C0"). In summary, the available evidence is currently insufficient to determine the role of this variant in disease. Therefore, it has been classified as a Variant of Uncertain Significance. This sequence change replaces leucine, which is neutral and non-polar, with valine, which is neutral and non-polar, at codon 2187 of the FASN protein (p.Leu2187Val). This variant is not present in population databases (gnomAD no frequency). This variant has not been reported in the literature in individuals affected with FASN-related conditions.

NM_004104.5(FASN):c.6559C>G (p.Leu2187Val)

Gene: FASN (fatty acid synthase; minus strand). Cytogenetic location: 17q25.3.
Variant type: single nucleotide variant.
Coding change: c.6559C>G on transcript NM_004104.5 (MANE Select); coding-DNA position 6559, C replaced by G.
Protein change: p.Leu2187Val; replaces leucine 2187 with valine.
Molecular consequence: missense variant.
Genome position (GRCh38, 1-based): chr17:82,081,200, G>C on the plus strand (C>G on the coding strand, the complement: FASN is on the minus strand). VCF-style: chr17-82081200-G-C. GRCh37 (hg19) VCF-style: chr17-80039076-G-C.
Other names: short protein forms L2187V.
Identifiers: ClinVar variation 1436874 (VCV001436874.8), dbSNP rs894407461, ClinGen allele CA295203342.